The following is an entry in ClinVar:

ClinVar aggregate classification (germline): Benign/Likely benign. Review status: criteria provided, multiple submitters, no conflicts (2 of 4 stars). 3 submissions from 3 submitters: Benign (2); Likely benign (1). Last evaluated 2026-01-01.

Allele frequency attached by ClinVar (database versions not stated): ExAC 0.00081; ESP Exome Variant Server 0.00235; gnomAD 0.00242 and 0.00260; 1000 Genomes Project 30x 0.00297; 1000 Genomes Project 0.00319; TOPMed 0.00268.
gnomAD v4.1: 708 of 1,604,712 alleles (0.044%); highest among the groups gnomAD compares: African/African-American, 0.85%; 2 homozygotes.

Submissions (3):

CeGaT Center for Human Genetics Tuebingen
Classification: Likely benign. Last evaluated: 2026-01-01. Review status: criteria provided, single submitter. Criteria: CeGaT Center For Human Genetics Tuebingen Variant Classification Criteria Version 2. Collection method: clinical testing. Allele origin: germline. Affected: yes. Observed: 2 variant alleles.
Comment: SNRPN: BP4, BP7

Labcorp Genetics (formerly Invitae), Labcorp
Classification: Benign. Last evaluated: 2018-12-20. Review status: criteria provided, single submitter. Criteria: Invitae Variant Classification Sherloc (09022015). Collection method: clinical testing. Allele origin: germline.

Breakthrough Genomics
Classification: Benign. Review status: criteria provided, single submitter. Criteria: ACMG Guidelines, 2015. Collection method: not provided. Allele origin: germline. Inheritance: Unknown mechanism. Affected: yes.

NM_003097.6(SNRPN):c.363C>A (p.Pro121=)

Genes: SNHG14 (small nucleolar RNA host gene 14; plus strand), SNRPN (small nuclear ribonucleoprotein polypeptide N; plus strand), SNURF (SNRPN upstream open reading frame; plus strand). Cytogenetic location: 15q11.2.
Variant type: single nucleotide variant.
Coding change: c.363C>A on transcript NM_003097.6 (MANE Select); coding-DNA position 363, C replaced by A.
Protein change: p.Pro121=; no amino-acid change (proline 121 retained).
Molecular consequence: synonymous variant. On other transcripts: non-coding transcript variant (1), 3 prime UTR variant (1).
Genome position (GRCh38, 1-based): chr15:24,976,972, C>A. VCF-style: chr15-24976972-C-A. GRCh37 (hg19) VCF-style: chr15-25222119-C-A.
Other names: c.363C>A, p.Pro121= (NM_001400640.1, NM_001400641.1, NM_001400643.1 and 99 more transcripts); c.375C>A, p.Pro125= (NM_001378251.1, NM_001378252.1, NM_001378253.1 and 2 more transcripts); c.339C>A, p.Pro113= (NM_001378256.1, NM_001378257.1, NM_001400767.1); c.99C>A, p.Pro33= (NM_001400768.1); c.*551C>A (NM_005678.5).
Identifiers: ClinVar variation 791191 (VCV000791191.25), dbSNP rs142287541, ClinGen allele CA7431353.